The following is an entry in ClinVar:

NM_017755.6(NSUN2):c.1593A>G (p.Pro531=)

Gene: NSUN2 (NOP2/Sun RNA methyltransferase 2; minus strand). Cytogenetic location: 5p15.31.
Variant type: single nucleotide variant.
Coding change: c.1593A>G on transcript NM_017755.6 (MANE Select); coding-DNA position 1593, A replaced by G.
Protein change: p.Pro531=; no amino-acid change (proline 531 retained).
Molecular consequence: synonymous variant. On other transcripts: non-coding transcript variant (1).
Genome position (GRCh38, 1-based): chr5:6,606,828, T>C on the plus strand (A>G on the coding strand, the complement: NSUN2 is on the minus strand). VCF-style: chr5-6606828-T-C. GRCh37 (hg19) VCF-style: chr5-6606941-T-C.
Other names: c.1488A>G, p.Pro496= (NM_001193455.2).
Identifiers: ClinVar variation 3026075 (VCV003026075.23), dbSNP rs775901674, ClinGen allele CA3192394.
Genomic context (GRCh38, chr5:6,606,828, plus strand): 5'-TACTCTATAGTAAATTTCTTTAAATGAATAATTAAAAAGGCTGAATCCTTACTCAATAGG[T>C]GGAAATAATGGGTCATCTTCAGGAATAAATACAAATGGATCTTCTTTAAATCCAAATAAC-3'
Protein context (NP_060225.4, residues 521-541): VFIPEDDPLF[Pro531=]PIEKFYALDP

ClinVar aggregate classification (germline): Likely benign. Review status: criteria provided, multiple submitters, no conflicts (2 of 4 stars). 2 submissions from 2 submitters: Likely benign (2). Last evaluated 2025-09-02.

Allele frequency attached by ClinVar (database versions not stated): ExAC 0.00001; gnomAD 0.00001; gnomAD exomes 0.00001.

Submissions (2):

Labcorp Genetics (formerly Invitae), Labcorp
Classification: Likely benign. Last evaluated: 2025-09-02. Review status: criteria provided, single submitter. Criteria: Invitae Variant Classification Sherloc (09022015). Collection method: clinical testing. Allele origin: germline.

CeGaT Center for Human Genetics Tuebingen
Classification: Likely benign. Last evaluated: 2023-12-01. Review status: criteria provided, single submitter. Criteria: CeGaT Center For Human Genetics Tuebingen Variant Classification Criteria Version 2. Collection method: clinical testing. Allele origin: germline. Affected: yes. Observed: 1 variant allele.
Comment: NSUN2: BP4, BP7